The following is an entry in ClinVar:

ClinVar aggregate classification (germline): Uncertain significance (1 of 4 stars; one submission).

Conditions:
CDH1-related diffuse gastric and lobular breast cancer syndrome. Also called: CDH1-related diffuse gastric and lobular breast cancer. Identifiers: MedGen CN311521, MONDO:0100488.

Submission:

Hema, HEMA – Genetic and Molecular Diagnostic Laboratory
Classification: Uncertain significance for CDH1-related diffuse gastric and lobular breast cancer syndrome. Last evaluated: 2026-05-13. Review status: criteria provided, single submitter. Criteria: HEMA Variant Classification Assertion Criteria. Collection method: clinical testing. Allele origin: germline.
Comment: The c.2272G>C p.(Glu758Gln) variant is a transversion from guanine to cytosine, resulting in the substitution of glutamic acid 758 by glutamine. PM2_Supporting: Absent in the gnomAD v4.1.1 genome database.

NM_004360.5(CDH1):c.2272G>C (p.Glu758Gln)

Gene: CDH1 (cadherin 1; plus strand). Cytogenetic location: 16q22.1.
Variant type: single nucleotide variant.
Coding change: c.2272G>C on transcript NM_004360.5 (MANE Select); coding-DNA position 2272, G replaced by C.
Protein change: p.Glu758Gln; replaces glutamic acid 758 with glutamine.
Molecular consequence: missense variant.
Genome position (GRCh38, 1-based): chr16:68,828,281, G>C. VCF-style: chr16-68828281-G-C. GRCh37 (hg19) VCF-style: chr16-68862184-G-C.
Other names: c.2089G>C, p.Glu697Gln (NM_001317184.2); c.724G>C, p.Glu242Gln (NM_001317185.2); c.307G>C, p.Glu103Gln (NM_001317186.2); short protein forms E103Q, E242Q, E697Q, E758Q.
Identifiers: ClinVar variation 5042628 (VCV005042628.1), dbSNP rs786202785.